The following is an entry in ClinVar:

ClinVar aggregate classification (germline): Pathogenic. Review status: reviewed by expert panel (3 of 4 stars). 11 submissions from 11 submitters: Pathogenic (1). 10 of the submissions do not count toward it. Last evaluated 2016-09-08.

Conditions:
Hereditary breast ovarian cancer syndrome. Also called: Hereditary breast and ovarian cancer syndrome; Hereditary breast and ovarian cancer; Hereditary breast and ovarian cancer syndrome (HBOC); Breast and ovarian cancer; Hereditary breast and/or ovarian cancer syndrome; BRCA1- and BRCA2-Associated Hereditary Breast and Ovarian Cancer. Identifiers: Orphanet 145, MedGen C0677776, MeSH D061325, MONDO:0003582. Disease mechanism: loss of function.
BRCA2-related disorder. Also called: BRCA2-related condition; BRCA2-related disorders. Identifiers: MedGen CN239275.
Hereditary cancer-predisposing syndrome. Also called: Neoplastic Syndromes, Hereditary; Tumor predisposition; Hereditary neoplastic syndrome; Hereditary Cancer Syndrome. Identifiers: Orphanet 140162, MedGen C0027672, MeSH D009386, MONDO:0015356.
Breast-ovarian cancer, familial, susceptibility to, 2 (BROVCA2). Also called: BRCA2 Hereditary Breast and Ovarian Cancer. Identifiers: Orphanet 145, MedGen C2675520, MONDO:0012933, OMIM 612555. Disease mechanism: loss of function.
Familial cancer of breast. Also called: BREAST CANCER, FAMILIAL; Hereditary breast cancer; hereditary breast carcinoma. Identifiers: Orphanet 227535, MedGen C0346153, MONDO:0016419, OMIM 114480. Disease mechanism: loss of function.

Allele frequency attached by ClinVar (database versions not stated): gnomAD 0.00001.
gnomAD v4.1: 1 of 1,613,432 alleles (0.000062%); highest among the groups gnomAD compares: African/African-American, 0.0013%; no homozygotes.

Submissions (11):

Evidence-based Network for the Interpretation of Germline Mutant Alleles (ENIGMA)
Classification: Pathogenic for Breast-ovarian cancer, familial, susceptibility to, 2. Last evaluated: 2016-09-08. Review status: reviewed by expert panel. Criteria: ENIGMA BRCA1/2 Classification Criteria (2015). Collection method: curation. Allele origin: germline.
Comment: Variant allele predicted to encode a truncated non-functional protein.

Ambry Genetics
Classification: Pathogenic for Hereditary cancer-predisposing syndrome. Last evaluated: 2025-10-06. Review status: criteria provided, single submitter. Criteria: Ambry Variant Classification Scheme 2023. Collection method: clinical testing. Allele origin: germline. Not counted in ClinVar's aggregate classification.
Comment: The p.S2372* pathogenic mutation (also known as c.7115C>G), located in coding exon 13 of the BRCA2 gene, results from a C to G substitution at nucleotide position 7115. This changes the amino acid from a serine to a stop codon within coding exon 13. This alteration was identified in a large, worldwide study of BRCA1/2 mutation positive families (Rebbeck et al. Hum. Mutat. 2018 05;39(5):593-620). This alteration has also been reported in an individual with pancreatic acinar cell cancer (Furukawa T et al. Sci Rep, 2015 Mar;5:8829). In addition to the clinical data presented in the literature, this alteration is expected to result in loss of function by premature protein truncation or nonsense-mediated mRNA decay. As such, this alteration is interpreted as a disease-causing mutation.

Labcorp Genetics (formerly Invitae), Labcorp
Classification: Pathogenic for Hereditary breast ovarian cancer syndrome. Last evaluated: 2025-02-26. Review status: criteria provided, single submitter. Criteria: Invitae Variant Classification Sherloc (09022015). Collection method: clinical testing. Allele origin: germline. Not counted in ClinVar's aggregate classification.
Comment: This sequence change creates a premature translational stop signal (p.Ser2372*) in the BRCA2 gene. It is expected to result in an absent or disrupted protein product. Loss-of-function variants in BRCA2 are known to be pathogenic (PMID: 20104584). The frequency data for this variant in the population databases is considered unreliable, as metrics indicate poor data quality at this position in the gnomAD database. This premature translational stop signal has been observed in individual(s) with pancreatic cancer and increased risk of breast and/or ovarian cancer (PMID: 25743105, 29446198). ClinVar contains an entry for this variant (Variation ID: 52271). For these reasons, this variant has been classified as Pathogenic.

Quest Diagnostics Nichols Institute San Juan Capistrano
Classification: Pathogenic. Last evaluated: 2024-03-15. Review status: criteria provided, single submitter. Criteria: Quest Diagnostics criteria. Collection method: clinical testing. Allele origin: unknown. Not counted in ClinVar's aggregate classification.
Comment: The BRCA2 c.7115C>G (p.Ser2372*) variant causes the premature termination of BRCA2 protein synthesis. This variant has been reported in the published literature in an individual affected with cell carcinomas of pancreas (PMID: 25743105 (2015)). The frequency of this variant in the general population, 0.000032 (1/31408 chromosomes (Genome Aggregation Database)), is consistent with pathogenicity. Based on the available information, this variant is classified as pathogenic.

PreventionGenetics, part of Exact Sciences
Classification: Pathogenic for BRCA2-related condition. Last evaluated: 2023-06-08. Review status: criteria provided, single submitter. Criteria: ACMG Guidelines, 2015. Collection method: clinical testing. Allele origin: germline. Not counted in ClinVar's aggregate classification.
Comment: The BRCA2 c.7115C>G variant is predicted to result in premature protein termination (p.Ser2372*). This variant has been reported in individuals with acinar cell carcinoma of the pancreas (Furukawa et al 2015. PubMed ID: 25743105) and breast cancer (Rebbeck TR et al 2018. PubMed ID: 29446198; Palmer JR et al 2020. PubMed ID: 32427313; Lerner-Ellis J et al 2020. PubMed ID: 32885271). This variant is reported in 0.011% of alleles in individuals of African descent in gnomAD; however, quality metrics indicate frequency data may not be reliable for this region. Nonsense variants in BRCA2 are expected to be pathogenic, and several labs have classified this variant as pathogenic in ClinVar. This variant is interpreted as pathogenic.

GeneDx
Classification: Pathogenic. Last evaluated: 2023-03-20. Review status: criteria provided, single submitter. Criteria: GeneDx Variant Classification Process June 2021. Collection method: clinical testing. Allele origin: germline. Affected: yes. Not counted in ClinVar's aggregate classification.
Comment: Nonsense variant predicted to result in protein truncation or nonsense mediated decay in a gene for which loss of function is a known mechanism of disease; Truncating variants in this gene are considered pathogenic by a well-established clinical consortium and/or database; Identified in individuals with BRCA2-related cancers (Furukawa et al., 2015; Palmer et al., 2020; Lerner-Ellis et al., 2021); Not observed at significant frequency in large population cohorts (gnomAD); Also known as 7343C>G; This variant is associated with the following publications: (PMID: 25743105, 31002019, 32377563, 32885271, 29446198, 32427313)

Baylor Genetics
Classification: Pathogenic for Familial cancer of breast. Last evaluated: 2022-04-14. Review status: criteria provided, single submitter. Criteria: ACMG Guidelines, 2015. Collection method: clinical testing. Allele origin: unknown. Not counted in ClinVar's aggregate classification.

Revvity Omics, Revvity
Classification: Pathogenic. Last evaluated: 2019-02-05. Review status: criteria provided, single submitter. Criteria: ACMG Guidelines, 2015. Collection method: clinical testing. Allele origin: germline. Not counted in ClinVar's aggregate classification.

Consortium of Investigators of Modifiers of BRCA1/2 (CIMBA), c/o University of Cambridge
Classification: Pathogenic for Breast-ovarian cancer, familial, susceptibility to, 2. Last evaluated: 2015-10-02. Review status: criteria provided, single submitter. Criteria: CIMBA Mutation Classification guidelines May 2016. Collection method: clinical testing. Allele origin: germline. Not counted in ClinVar's aggregate classification.

Breast Cancer Information Core (BIC) (BRCA2)
Classification: Pathogenic for Breast-ovarian cancer, familial 2. Last evaluated: 2002-05-29. Review status: no assertion criteria provided. Collection method: clinical testing. Allele origin: germline. Affected: yes. Observed: 1 variant allele. Not counted in ClinVar's aggregate classification.

Department of Pathology and Laboratory Medicine, Sinai Health System
Classification: Pathogenic for Breast-ovarian cancer, familial, susceptibility to, 2. Review status: no assertion criteria provided. Collection method: clinical testing. Allele origin: unknown. Affected: yes. Study: The Canadian Open Genetics Repository (COGR). Not counted in ClinVar's aggregate classification.
Comment: The BRCA2 p.Ser2372* variant was identified in 1 of 22 proband chromosomes (frequency: 0.05) from individuals or families with acinar cell carcinomas of the pancreas (Furukawa 2015). The variant was also identified in dbSNP (rs80358943) as â€šÃ„ÃºWith pathogenic alleleâ€šÃ„Ã¹, ClinVar (classified as pathogenic by Enigma, GeneDx, BIC, and CIMBA), LOVD 3.0 (2x), UMD-LSDB (6x as causal), and BIC (1x clinically important). The variant was not identified in COGR, Cosmic, ARUP Laboratories, or the Zhejiang University database. The variant was identified in control databases in 1 of 30980 chromosomes at a frequency of 0.00003 (Genome Aggregation Database Feb 27, 2017). The variant was observed in the African population in 1 of 8736 chromosomes (freq: 0.0001), but not in the European, South Asian, Other, Latino, Ashkenazi Jewish, East Asian, or Finnish populations. The p.Ser2372* variant leads to a premature stop codon at position 2372, which is predicted to lead to a truncated or absent protein and loss of function. Loss of function variants of the BRCA2 gene are an established mechanism of disease in hereditary breast and ovarian cancer and is the type of variant expected to cause the disorder. In summary, based on the above information, this variant meets our laboratoryâ€šÃ„Ã´s criteria to be classified as pathogenic.

Literature cited by the submitters: PubMed 25743105 (cited by 3 submitters); PubMed 29446198 (cited by Ambry Genetics and Labcorp Genetics (formerly Invitae), Labcorp); PubMed 31002019 (cited by Ambry Genetics); PubMed 20104584 (cited by Labcorp Genetics (formerly Invitae), Labcorp).

NM_000059.4(BRCA2):c.7115C>G (p.Ser2372Ter)

Gene: BRCA2 (BRCA2 DNA repair associated; plus strand). Cytogenetic location: 13q13.1.
Variant type: single nucleotide variant.
Coding change: c.7115C>G on transcript NM_000059.4 (MANE Select); coding-DNA position 7115, C replaced by G.
Protein change: p.Ser2372Ter; replaces serine 2372 with a stop codon.
Molecular consequence: nonsense.
Genome position (GRCh38, 1-based): chr13:32,354,968, C>G. VCF-style: chr13-32354968-C-G. GRCh37 (hg19) VCF-style: chr13-32929105-C-G.
Other names: short protein forms S2372*.
Identifiers: ClinVar variation 52271 (VCV000052271.27), dbSNP rs80358943, ClinGen allele CA024881.